The following is an entry in ClinVar:

ClinVar aggregate classification (germline): Pathogenic. Review status: criteria provided, multiple submitters, no conflicts (2 of 4 stars). 3 submissions from 3 submitters: Pathogenic (3). Last evaluated 2025-10-25.

Conditions:
Bethlem myopathy 1A. Also called: Bethlem myopathy 1; Bethlem Muscular Dystrophy; MYOPATHY, BENIGN CONGENITAL, WITH CONTRACTURES. Identifiers: Orphanet 610, MedGen CN029274, MONDO:0024530, OMIM 158810.

Submissions (3):

Labcorp Genetics (formerly Invitae), Labcorp
Classification: Pathogenic for Bethlem myopathy 1A. Last evaluated: 2025-10-25. Review status: criteria provided, single submitter. Criteria: Invitae Variant Classification Sherloc (09022015). Collection method: clinical testing. Allele origin: germline.
Comment: This sequence change replaces glycine, which is neutral and non-polar, with aspartic acid, which is acidic and polar, at codon 262 of the COL6A2 protein (p.Gly262Asp). This variant is not present in population databases (gnomAD no frequency). This missense change has been observed in individual(s) with type VI collagenopathies (PMID: 18160674, 24038877). In at least one individual the variant was observed to be de novo. ClinVar contains an entry for this variant (Variation ID: 284768). Invitae Evidence Modeling of protein sequence and biophysical properties (such as structural, functional, and spatial information, amino acid conservation, physicochemical variation, residue mobility, and thermodynamic stability) indicates that this missense variant is expected to disrupt COL6A2 protein function with a positive predictive value of 80%. This variant disrupts the triple helix domain of COL6A2. Glycine residues within the Gly-Xaa-Yaa repeats of the triple helix domain are required for the structure and stability of fibrillar collagens (PMID: 7695699, 8218237, 19344236). In COL6A2, missense variants at these glycine residues are significantly enriched in individuals with autosomal dominant disease (PMID: 15689448, 24038877) compared to the general population (ExAC). For these reasons, this variant has been classified as Pathogenic.

CeGaT Center for Human Genetics Tuebingen
Classification: Pathogenic. Last evaluated: 2024-02-01. Review status: criteria provided, single submitter. Criteria: CeGaT Center For Human Genetics Tuebingen Variant Classification Criteria Version 2. Collection method: clinical testing. Allele origin: germline. Affected: yes. Observed: 3 variant alleles.
Comment: COL6A2: PM1:Strong, PM2, PM5, PS4:Moderate, PM6:Supporting, PP3, PS3:Supporting

Eurofins Ntd Llc (ga)
Classification: Pathogenic. Last evaluated: 2015-12-27. Review status: criteria provided, single submitter. Criteria: EGL Classification Definitions 2015. Collection method: clinical testing. Allele origin: germline. Observed: 1 variant allele, 1 heterozygote.

Literature cited by the submitters: PubMed 18160674 (cited by Labcorp Genetics (formerly Invitae), Labcorp); PubMed 24038877 (cited by Labcorp Genetics (formerly Invitae), Labcorp); PubMed 7695699 (cited by Labcorp Genetics (formerly Invitae), Labcorp); PubMed 8218237 (cited by Labcorp Genetics (formerly Invitae), Labcorp); PubMed 19344236 (cited by Labcorp Genetics (formerly Invitae), Labcorp); PubMed 15689448 (cited by Labcorp Genetics (formerly Invitae), Labcorp).

NM_001849.4(COL6A2):c.785G>A (p.Gly262Asp)

Gene: COL6A2 (collagen type VI alpha 2 chain; plus strand). Cytogenetic location: 21q22.3.
Variant type: single nucleotide variant.
Coding change: c.785G>A on transcript NM_001849.4 (MANE Select); coding-DNA position 785, G replaced by A.
Protein change: p.Gly262Asp; replaces glycine 262 with aspartic acid.
Molecular consequence: missense variant.
Genome position (GRCh38, 1-based): chr21:46,114,057, G>A. VCF-style: chr21-46114057-G-A. GRCh37 (hg19) VCF-style: chr21-47533971-G-A.
Other names: c.785G>A, p.Gly262Asp (NM_058174.3, NM_058175.3); short protein forms G262D.
Identifiers: ClinVar variation 284768 (VCV000284768.53), dbSNP rs886042943, ClinGen allele CA10604901.
Genomic context (GRCh38, chr21:46,114,057, plus strand): 5'-CCTCGTTTCAGTGCTACAAGGTGAGCTGCCTGGAAATCCCTGGGCCCTCTGGCCCCAAGG[G>A]CTACCGTGGACAGAAGGTAAGATGCCCAGATTACCTGCAGGGTCTGCGCTACCAGGAAGC-3'
Protein context (NP_001840.3, residues 252-272): LEIPGPSGPK[Gly262Asp]YRGQKGAKGN